The following is an entry in ClinVar:

NM_025114.4(CEP290):c.3843A>G (p.Ala1281=)

Gene: CEP290 (centrosomal protein 290; minus strand). Cytogenetic location: 12q21.32.
Variant type: single nucleotide variant.
Coding change: c.3843A>G on transcript NM_025114.4 (MANE Select); coding-DNA position 3843, A replaced by G.
Protein change: p.Ala1281=; no amino-acid change (alanine 1281 retained).
Molecular consequence: synonymous variant.
Genome position (GRCh38, 1-based): chr12:88,089,218, T>C on the plus strand (A>G on the coding strand, the complement: CEP290 is on the minus strand). VCF-style: chr12-88089218-T-C. GRCh37 (hg19) VCF-style: chr12-88482995-T-C.
Other names: c.3843A>G (NM_025114.3).
Identifiers: ClinVar variation 1552780 (VCV001552780.10), dbSNP rs777382672, ClinGen allele CA6712071.
Genomic context (GRCh38, chr12:88,089,218, plus strand): 5'-CATTATCTTAAGTTTGTCATTTTGTAGTTGAATCATTGTTTTGGAGAACTTTTCCTGTTG[T>C]GCCAAGGGTAAAGCTCCACTAAACTGTCGTCGTAGAGACTGAATTGTTTGGCGCAGATGT-3'
Protein context (NP_079390.3, residues 1271-1291): RRQFSGALPL[Ala1281=]QQEKFSKTMI

ClinVar aggregate classification (germline): Likely benign. Review status: criteria provided, multiple submitters, no conflicts (2 of 4 stars). 3 submissions from 3 submitters: Likely benign (2). 1 of the submissions does not count toward it. Last evaluated 2025-12-30.

Conditions:
Joubert syndrome 5 (JBTS5). Identifiers: Orphanet 2318, MedGen C1857780, MONDO:0012432, OMIM 610188.
Leber congenital amaurosis 10 (LCA10). Identifiers: Orphanet 65, MedGen C1857821, MONDO:0012723, OMIM 611755.
Senior-Loken syndrome 6 (SLSN6). Identifiers: Orphanet 3156, MedGen C1857779, MONDO:0012433, OMIM 610189.
Bardet-Biedl syndrome 14 (BBS14). Identifiers: Orphanet 110, MedGen C2673874, MONDO:0014442, OMIM 615991.
Meckel syndrome, type 4 (MKS4). Also called: MECKEL-GRUBER SYNDROME, TYPE 4. Identifiers: Orphanet 564, MedGen C1970161, MONDO:0012626, OMIM 611134.
CEP290-related disorder. Also called: CEP290-related disorders; CEP290-related condition. Identifiers: MedGen CN239314.
Nephronophthisis. Also called: Juvenile Nephronophthisis. Identifiers: Orphanet 655, MedGen C0687120, MONDO:0019005, HP:0000090.
Meckel-Gruber syndrome. Also called: DYSENCEPHALIA SPLANCHNOCYSTICA; GRUBER SYNDROME; Dysencephalia splachnocystica. Identifiers: Orphanet 564, MedGen C0265215, MONDO:0018921.
Joubert syndrome. Also called: CEREBELLOPARENCHYMAL DISORDER IV; JOUBERT-BOLTSHAUSER SYNDROME; Familial aplasia of the vermis. Identifiers: Orphanet 475, MedGen C5979921, MONDO:0018772.

Allele frequency attached by ClinVar (database versions not stated): gnomAD exomes below 0.00001 and 0.00001; ExAC 0.00001; TOPMed 0.00002; gnomAD 0.00003.
gnomAD v4.1: 6 of 1,613,580 alleles (0.00037%); highest among the groups gnomAD compares: African/African-American, 0.0067%; no homozygotes.

Submissions (3):

Labcorp Genetics (formerly Invitae), Labcorp
Classification: Likely benign for Joubert syndrome; Meckel-Gruber syndrome; Nephronophthisis. Last evaluated: 2025-12-30. Review status: criteria provided, single submitter. Criteria: Invitae Variant Classification Sherloc (09022015). Collection method: clinical testing. Allele origin: germline.

Fulgent Genetics
Classification: Likely benign for Joubert syndrome 5; Senior-Loken syndrome 6; Meckel syndrome, type 4; Leber congenital amaurosis 10; Bardet-Biedl syndrome 14. Last evaluated: 2021-12-31. Review status: criteria provided, single submitter. Criteria: ACMG Guidelines, 2015. Collection method: clinical testing. Allele origin: unknown.

PreventionGenetics, part of Exact Sciences
Classification: Likely benign for CEP290-related condition. Last evaluated: 2021-04-06. Review status: no assertion criteria provided. Collection method: clinical testing. Allele origin: germline. Not counted in ClinVar's aggregate classification.
Comment: This variant is classified as likely benign based on ACMG/AMP sequence variant interpretation guidelines (Richards et al. 2015 PMID: 25741868, with internal and published modifications).